The following is an entry in ClinVar:

ClinVar aggregate classification (germline): Uncertain significance (1 of 4 stars; one submission).

Conditions:
NOTCH2-related disorder. Also called: NOTCH2-related condition.

Submission:

PreventionGenetics, part of Exact Sciences
Classification: Uncertain significance for NOTCH2-related condition. Last evaluated: 2026-05-25. Review status: criteria provided, single submitter. Criteria: ACMG Guidelines, 2015. Collection method: clinical testing. Allele origin: germline.
Comment: The NOTCH2 c.2780T>C variant is predicted to result in the amino acid substitution p.Met927Thr. To our knowledge, this variant has not been reported in the literature or in a large population database (gnomAD), indicating this variant is rare. At this time, the clinical significance of this variant is uncertain due to the absence of conclusive functional and genetic evidence.

NM_024408.4(NOTCH2):c.2780T>C (p.Met927Thr)

Gene: NOTCH2 (notch receptor 2; minus strand). Cytogenetic location: 1p12.
Variant type: single nucleotide variant.
Coding change: c.2780T>C on transcript NM_024408.4 (MANE Select); coding-DNA position 2780, T replaced by C.
Protein change: p.Met927Thr; replaces methionine 927 with threonine.
Molecular consequence: missense variant.
Genome position (GRCh38, 1-based): chr1:119,941,727, A>G on the plus strand (T>C on the coding strand, the complement: NOTCH2 is on the minus strand). VCF-style: chr1-119941727-A-G. GRCh37 (hg19) VCF-style: chr1-120484350-A-G.
Other names: c.2780T>C, p.Met927Thr (NM_001200001.2); short protein forms M927T.
Identifiers: ClinVar variation 2630462 (VCV002630462.2), dbSNP rs782079844, ClinGen allele CA341856334.